The following is an entry in ClinVar:

NM_206933.4(USH2A):c.10194G>T (p.Glu3398Asp)

Gene: USH2A (usherin; minus strand). Cytogenetic location: 1q41.
Variant type: single nucleotide variant.
Coding change: c.10194G>T on transcript NM_206933.4 (MANE Select); coding-DNA position 10194, G replaced by T.
Protein change: p.Glu3398Asp; replaces glutamic acid 3398 with aspartic acid.
Molecular consequence: missense variant.
Genome position (GRCh38, 1-based): chr1:215,786,863, C>A on the plus strand (G>T on the coding strand, the complement: USH2A is on the minus strand). VCF-style: chr1-215786863-C-A. GRCh37 (hg19) VCF-style: chr1-215960205-C-A.
Other names: c.10194G>T (NM_206933.2); short protein forms E3398D.
Identifiers: ClinVar variation 2416796 (VCV002416796.6), dbSNP rs753372521, ClinGen allele CA1394101.

ClinVar aggregate classification (germline): Conflicting classifications of pathogenicity. Review status: criteria provided, conflicting classifications (1 of 4 stars). 2 submissions from 2 submitters: Uncertain significance (1); Likely benign (1). Last evaluated 2025-01-13.

Conditions:
Inborn genetic diseases. Identifiers: MedGen C0950123, MeSH D030342.

Allele frequency attached by ClinVar (database versions not stated): TOPMed below 0.00001; gnomAD 0.00001.
gnomAD v4.1: 26 of 1,613,718 alleles (0.0016%); highest among the groups gnomAD compares: Non-Finnish European, 0.0021%; no homozygotes.

Submissions (2):

Labcorp Genetics (formerly Invitae), Labcorp
Classification: Uncertain significance. Last evaluated: 2025-01-13. Review status: criteria provided, single submitter. Criteria: Invitae Variant Classification Sherloc (09022015). Collection method: clinical testing. Allele origin: germline.
Comment: This sequence change replaces glutamic acid, which is acidic and polar, with aspartic acid, which is acidic and polar, at codon 3398 of the USH2A protein (p.Glu3398Asp). This variant is present in population databases (rs753372521, gnomAD 0.004%). This variant has not been reported in the literature in individuals affected with USH2A-related conditions. ClinVar contains an entry for this variant (Variation ID: 2416796). Invitae Evidence Modeling of protein sequence and biophysical properties (such as structural, functional, and spatial information, amino acid conservation, physicochemical variation, residue mobility, and thermodynamic stability) indicates that this missense variant is not expected to disrupt USH2A protein function with a negative predictive value of 95%. In summary, the available evidence is currently insufficient to determine the role of this variant in disease. Therefore, it has been classified as a Variant of Uncertain Significance.

Ambry Genetics
Classification: Likely benign for Inborn genetic diseases. Last evaluated: 2024-01-08. Review status: criteria provided, single submitter. Criteria: Ambry Variant Classification Scheme 2023. Collection method: clinical testing. Allele origin: germline.